The following is an entry in ClinVar:

NM_003482.4(KMT2D):c.2674T>C (p.Ser892Pro)

Gene: KMT2D (lysine methyltransferase 2D; minus strand). Cytogenetic location: 12q13.12.
Variant type: single nucleotide variant.
Coding change: c.2674T>C on transcript NM_003482.4 (MANE Select); coding-DNA position 2674, T replaced by C.
Protein change: p.Ser892Pro; replaces serine 892 with proline.
Molecular consequence: missense variant.
Genome position (GRCh38, 1-based): chr12:49,051,009, A>G on the plus strand (T>C on the coding strand, the complement: KMT2D is on the minus strand). VCF-style: chr12-49051009-A-G. GRCh37 (hg19) VCF-style: chr12-49444792-A-G.
Other names: short protein forms S892P.
Identifiers: ClinVar variation 1304504 (VCV001304504.2), dbSNP rs2120661681, ClinGen allele CA384664929.

ClinVar aggregate classification (germline): Uncertain significance (1 of 4 stars; one submission).

Allele frequency attached by ClinVar (database versions not stated): gnomAD exomes below 0.00001.

Submission:

GeneDx
Classification: Uncertain significance. Last evaluated: 2019-01-15. Review status: criteria provided, single submitter. Criteria: GeneDx Variant Classification Process June 2021. Collection method: clinical testing. Allele origin: germline. Affected: yes.
Comment: Not observed in large population cohorts (Lek et al., 2016); In silico analysis, which includes protein predictors and evolutionary conservation, supports that this variant does not alter protein structure/function; Has not been previously published as pathogenic or benign to our knowledge